The following is an entry in ClinVar:

NM_000222.3(KIT):c.2299G>C (p.Glu767Gln)

Gene: KIT (KIT proto-oncogene, receptor tyrosine kinase; plus strand). Cytogenetic location: 4q12.
Variant type: single nucleotide variant.
Coding change: c.2299G>C on transcript NM_000222.3 (MANE Select); coding-DNA position 2299, G replaced by C.
Protein change: p.Glu767Gln; replaces glutamic acid 767 with glutamine.
Molecular consequence: missense variant.
Genome position (GRCh38, 1-based): chr4:54,731,936, G>C. VCF-style: chr4-54731936-G-C. GRCh37 (hg19) VCF-style: chr4-55598102-G-C.
Other names: c.2287G>C, p.Glu763Gln (NM_001093772.2, NM_001385292.1); c.2302G>C, p.Glu768Gln (NM_001385284.1); c.2296G>C, p.Glu766Gln (NM_001385285.1); c.2284G>C, p.Glu762Gln (NM_001385286.1); c.2290G>C, p.Glu764Gln (NM_001385288.1); c.2299G>C, p.Glu767Gln (NM_001385290.1); short protein forms E762Q, E764Q, E766Q, E763Q, E767Q, E768Q.
Identifiers: ClinVar variation 3726461 (VCV003726461.3).

ClinVar aggregate classification (germline): Uncertain significance. Review status: criteria provided, multiple submitters, no conflicts (2 of 4 stars). 2 submissions from 2 submitters: Uncertain significance (2). Last evaluated 2025-05-28.

Conditions:
Hereditary cancer-predisposing syndrome. Also called: Neoplastic Syndromes, Hereditary; Tumor predisposition; Hereditary Cancer Syndrome; Hereditary neoplastic syndrome. Identifiers: Orphanet 140162, MedGen C0027672, MeSH D009386, MONDO:0015356.
Gastrointestinal stromal tumor. Also called: Gastrointestinal stromal tumor, somatic; Gastrointestinal stroma tumor. Identifiers: Orphanet 44890, MedGen C0238198, MeSH D046152, MONDO:0011719, OMIM 606764, HP:0100723.

Submissions (2):

Ambry Genetics
Classification: Uncertain significance for Hereditary cancer-predisposing syndrome. Last evaluated: 2025-05-28. Review status: criteria provided, single submitter. Criteria: Ambry Variant Classification Scheme 2023. Collection method: clinical testing. Allele origin: germline.
Comment: The p.E767Q variant (also known as c.2299G>C), located in coding exon 16 of the KIT gene, results from a G to C substitution at nucleotide position 2299. The glutamic acid at codon 767 is replaced by glutamine, an amino acid with highly similar properties. This amino acid position is well conserved in available vertebrate species. In addition, this alteration is predicted to be tolerated by in silico analysis. Based on the available evidence, the clinical significance of this variant remains unclear.

Labcorp Genetics (formerly Invitae), Labcorp
Classification: Uncertain significance for Gastrointestinal stromal tumor. Last evaluated: 2024-12-28. Review status: criteria provided, single submitter. Criteria: Invitae Variant Classification Sherloc (09022015). Collection method: clinical testing. Allele origin: germline.
Comment: This sequence change replaces glutamic acid, which is acidic and polar, with glutamine, which is neutral and polar, at codon 767 of the KIT protein (p.Glu767Gln). This variant is not present in population databases (gnomAD no frequency). This variant has not been reported in the literature in individuals affected with KIT-related conditions. An algorithm developed to predict the effect of missense changes on protein structure and function (PolyPhen-2) suggests that this variant is likely to be tolerated. In summary, the available evidence is currently insufficient to determine the role of this variant in disease. Therefore, it has been classified as a Variant of Uncertain Significance.